The following is an entry in ClinVar:

ClinVar aggregate classification (germline): Likely pathogenic (1 of 4 stars; one submission).

Submission:

ARUP Laboratories, Molecular Genetics and Genomics, ARUP Laboratories
Classification: Likely pathogenic. Last evaluated: 2018-02-02. Review status: criteria provided, single submitter. Criteria: ARUP Molecular Germline Variant Investigation Process. Collection method: clinical testing. Allele origin: germline.
Comment: The PKD1 c.7109G>C; p.Cys2370Ser variant is not reported in the medical literature, but other nucleotide changes (c.7108T>A, c.7110T>A) causing the same amino acid alteration are reported in the literature in individuals affected with autosomal dominant polycystic kidney disease (ADPKD) (see Mayo ADPKD link, Audrezet 2016, Bataille 2011, Rossetti 2007). Additionally, another variant at this codon (c.7108T>C, p.Cys2370Arg) has also been identified in individuals with ADPKD (see Mayo ADPKD link, Rossetti 2003).The c.7109G>C variant is absent from general population databases (1000 Genomes Project, Exome Variant Server, and Genome Aggregation Database), indicating it is not a common polymorphism. The cysteine at codon 2370 is highly conserved and computational algorithms (SIFT, PolyPhen2) predict this variant to be deleterious. Based on the above information, this variant is considered likely pathogenic. References: Mayo ADPKD variant database: Audrezet M et al. Comprehensive PKD1 and PKD2 Mutation Analysis in Prenatal Autosomal Dominant Polycystic Kidney Disease. J Am Soc Nephrol. 2016 Mar;27(3):722-9. Bataille S et al. High Resolution Melt analysis for mutation screening in PKD1 and PKD2. BMC Nephrol. 2011; 12:57. Rossetti S et al. Association of mutation position in polycystic kidney disease 1 (PKD1) gene and development of a vascular phenotype. Lancet. 2003; 361(9376):2196-201. Rossetti S et al. Comprehensive molecular diagnostics in autosomal dominant polycystic kidney disease. J Am Soc Nephrol. 2007 Jul;18(7):2143-60.

NM_001009944.3(PKD1):c.7109G>C (p.Cys2370Ser)

Gene: PKD1 (polycystin 1, transient receptor potential channel interacting; minus strand). Cytogenetic location: 16p13.3.
Variant type: single nucleotide variant.
Coding change: c.7109G>C on transcript NM_001009944.3 (MANE Select); coding-DNA position 7109, G replaced by C.
Protein change: p.Cys2370Ser; replaces cysteine 2370 with serine.
Molecular consequence: missense variant.
Genome position (GRCh38, 1-based): chr16:2,106,905, C>G on the plus strand (G>C on the coding strand, the complement: PKD1 is on the minus strand). VCF-style: chr16-2106905-C-G. GRCh37 (hg19) VCF-style: chr16-2156906-C-G.
Other names: c.7109G>C, p.Cys2370Ser (NM_000296.4); short protein forms C2370S.
Identifiers: ClinVar variation 618312 (VCV000618312.8), dbSNP rs1567187434, ClinGen allele CA394372047.
Genomic context (GRCh38, chr16:2,106,905, plus strand): 5'-TCCAAGTACACGTAGGAGCTGCGGCTCACTTCGTACACGGCCTGTGCCTTGCAGGACACA[C>G]ACTCCAAGGACACAATGGGCACCCGGCCACTCCGGATCAGCACCTGGCGTGGGAGTGGGG-3'
Protein context (NP_001009944.3, residues 2360-2380): SGRVPIVSLE[Cys2370Ser]VSCKAQAVYE